The following is an entry in ClinVar:

GRCh37/hg19 2q11.1-11.2(chr2:96747466-98193473)x1

Genes: NCAPH (non-SMC condensin I complex subunit H; plus strand), STARD7 (StAR related lipid transfer domain containing 7; minus strand), ADRA2B (adrenoceptor alpha 2B; minus strand), ANKRD23 (ankyrin repeat domain 23; minus strand), ANKRD36 (ankyrin repeat domain 36; plus strand) and 17 more. Cytogenetic location: 2q11.1-11.2.
Variant type: copy number loss.
Change: copy number 1 (one copy instead of two) of chr2:96,747,466-98,193,473 (1.45 Mb, GRCh37 coordinates, 1-based), cytogenetic band 2q11.1-11.2.
Identifiers: ClinVar variation 638119 (VCV000638119.2).

ClinVar aggregate classification (germline): Likely pathogenic (1 of 4 stars; one submission).

Submission:

Clinical Genomics Laboratory, Laboratory for Precision Diagnostics, University of Washington
Classification: Likely pathogenic. Last evaluated: 2018-10-05. Review status: criteria provided, single submitter. Criteria: Clinical Cytogenomics Laboratory Policy on CNV Interpretation. Collection method: clinical testing. Allele origin: paternal. Affected: yes. Observed: 1 variant allele.

Literature cited by the submitters: PubMed 27735924; PubMed 26227573; PubMed 27602560.